The following is an entry in ClinVar:

ClinVar aggregate classification (germline): Uncertain significance (1 of 4 stars; one submission).

Submission:

CeGaT Center for Human Genetics Tuebingen
Classification: Uncertain significance. Last evaluated: 2023-10-01. Review status: criteria provided, single submitter. Criteria: CeGaT Center For Human Genetics Tuebingen Variant Classification Criteria Version 2. Collection method: clinical testing. Allele origin: germline. Affected: yes. Observed: 1 variant allele.
Comment: FBLN5: PM2, PM4

NM_006329.4(FBLN5):c.247_248insACTACTCGACCC (p.Asn82_Pro83insHisTyrSerThr)

Gene: FBLN5 (fibulin 5; minus strand). Cytogenetic location: 14q32.12.
Variant type: Insertion.
Coding change: c.247_248insACTACTCGACCC on transcript NM_006329.4 (MANE Select); coding-DNA positions 247 to 248, ACTACTCGACCC inserted.
Protein change: p.Asn82_Pro83insHisTyrSerThr.
Molecular consequence: inframe insertion.
Genome position: GRCh38 VCF-style: chr14-91937078-G-GGGGTCGAGTAGT. GRCh37 (hg19) VCF-style: chr14-92403422-G-GGGGTCGAGTAGT.
Other names: c.370_371insACTACTCGACCC, p.Asn123_Pro124insHisTyrSerThr (NM_001384158.1); c.298_299insACTACTCGACCC, p.Asn99_Pro100insHisTyrSerThr (NM_001384159.1); c.247_248insACTACTCGACCC, p.Asn82_Pro83insHisTyrSerThr (NM_001384160.1); c.79_80insACTACTCGACCC, p.Asn26_Pro27insHisTyrSerThr (NM_001384161.1, NM_001384162.1).
Identifiers: ClinVar variation 2644463 (VCV002644463.24), dbSNP rs1390399159, ClinGen allele CA616112900.
Genomic context (GRCh38, chr14:91,937,078, plus strand): 5'-TTTGGAGCTGAGAGTGGTGGGGCAGCTGCTGGGTACGGACCTGAGTAGGGGGTCGAGTAG[G>GGGGTCGAGTAGT]GGTTCGAGTAGGGCCCTCGATACACAGGGTTTGTCCGGGGAATGCATAAATACCCGCCAT-3'